The following is an entry in ClinVar:

ClinVar aggregate classification (germline): Likely benign (1 of 4 stars; one submission).

Conditions:
Hereditary retinoblastoma. Identifiers: Orphanet 357027, MedGen C0751483, MONDO:0018160.

Submission:

Ramesar Group, Division of Human Genetics, Institute of Infectious Diseases and Molecular Medicine, UCT/MRC Genomic and Precision Medicine Research Unit, University of Cape Town
Classification: Likely benign for Hereditary retinoblastoma. Last evaluated: 2025-09-17. Review status: criteria provided, single submitter. Criteria: ACMG Guidelines, 2015. Collection method: research. Allele origin: germline. Affected: no.
Comment: BP5 - Variant found in a patient with a different retinal disease; RB1 is not associated with the phenotype BP7 - A non-coding variant with no predicted effect on splicing (SpliceAI scores are negligible)

NM_000321.3(RB1):c.2212-26T>C

Gene: RB1 (RB transcriptional corepressor 1; plus strand). Cytogenetic location: 13q14.2.
Variant type: single nucleotide variant.
Coding change: c.2212-26T>C on transcript NM_000321.3 (MANE Select); 26 bases into the intron before coding-DNA position 2212, T replaced by C.
Molecular consequence: intron variant.
Genome position (GRCh38, 1-based): chr13:48,464,972, T>C. VCF-style: chr13-48464972-T-C. GRCh37 (hg19) VCF-style: chr13-49039108-T-C.
Other names: c.2212-26T>C (NM_001407165.1).
Identifiers: ClinVar variation 4759379 (VCV004759379.1).